The following is an entry in ClinVar:

NM_052947.4(ALPK2):c.2876G>C (p.Gly959Ala)

Gene: ALPK2 (alpha kinase 2; minus strand). Cytogenetic location: 18q21.31.
Variant type: single nucleotide variant.
Coding change: c.2876G>C on transcript NM_052947.4 (MANE Select); coding-DNA position 2876, G replaced by C.
Protein change: p.Gly959Ala; replaces glycine 959 with alanine.
Molecular consequence: missense variant.
Genome position (GRCh38, 1-based): chr18:58,537,311, C>G on the plus strand (G>C on the coding strand, the complement: ALPK2 is on the minus strand). VCF-style: chr18-58537311-C-G. GRCh37 (hg19) VCF-style: chr18-56204543-C-G.
Other names: short protein forms G959A.
Identifiers: ClinVar variation 3290388 (VCV003290388.1).

ClinVar aggregate classification (germline): Uncertain significance (1 of 4 stars; one submission).

Submission:

Ambry Genetics
Classification: Uncertain significance. Last evaluated: 2024-05-17. Review status: criteria provided, single submitter. Criteria: Ambry Variant Classification Scheme 2023. Collection method: clinical testing. Allele origin: germline.
Comment: The p.G959A variant (also known as c.2876G>C), located in coding exon 4 of the ALPK2 gene, results from a G to C substitution at nucleotide position 2876. The glycine at codon 959 is replaced by alanine, an amino acid with similar properties. This amino acid position is conserved. In addition, this alteration is predicted to be tolerated by in silico analysis. Based on the available evidence, the clinical significance of this variant remains unclear.